The following is an entry in ClinVar:

ClinVar aggregate classification (germline): Uncertain significance (1 of 4 stars; one submission).

Conditions:
TNF receptor-associated periodic fever syndrome (TRAPS) (FPF). Also called: TNF receptor 1-associated periodic fever syndrome; FAMILIAL HIBERNIAN FEVER; TNF RECEPTOR-ASSOCIATED PERIODIC SYNDROME; TUMOR NECROSIS FACTOR RECEPTOR-ASSOCIATED PERIODIC SYNDROME; Autosomal Dominant Familial Periodic Fever; TNF Receptor-Associated Periodic Fever Syndrome. Identifiers: Orphanet 32960, MedGen C1275126, MONDO:0007727, OMIM 142680.

Allele frequency attached by ClinVar (database versions not stated): gnomAD exomes below 0.00001.
gnomAD v4.1: 5 of 1,575,430 alleles (0.00032%); highest among the groups gnomAD compares: Middle Eastern, 0.017%; no homozygotes.

Submission:

Labcorp Genetics (formerly Invitae), Labcorp
Classification: Uncertain significance for TNF receptor-associated periodic fever syndrome (TRAPS). Last evaluated: 2022-06-10. Review status: criteria provided, single submitter. Criteria: Invitae Variant Classification Sherloc (09022015). Collection method: clinical testing. Allele origin: germline.
Comment: The frequency data for this variant in the population databases is considered unreliable, as metrics indicate poor data quality at this position in the gnomAD database. This sequence change replaces proline, which is neutral and non-polar, with leucine, which is neutral and non-polar, at codon 310 of the TNFRSF1A protein (p.Pro310Leu). This variant has not been reported in the literature in individuals affected with TNFRSF1A-related conditions. In summary, the available evidence is currently insufficient to determine the role of this variant in disease. Therefore, it has been classified as a Variant of Uncertain Significance. Advanced modeling of protein sequence and biophysical properties (such as structural, functional, and spatial information, amino acid conservation, physicochemical variation, residue mobility, and thermodynamic stability) performed at Invitae indicates that this missense variant is not expected to disrupt TNFRSF1A protein function.

NM_001065.4(TNFRSF1A):c.929C>T (p.Pro310Leu)

Gene: TNFRSF1A (TNF receptor superfamily member 1A; minus strand). Cytogenetic location: 12p13.31.
Variant type: single nucleotide variant.
Coding change: c.929C>T on transcript NM_001065.4 (MANE Select); coding-DNA position 929, C replaced by T.
Protein change: p.Pro310Leu; replaces proline 310 with leucine.
Molecular consequence: missense variant. On other transcripts: non-coding transcript variant (1).
Genome position (GRCh38, 1-based): chr12:6,329,906, G>A on the plus strand (C>T on the coding strand, the complement: TNFRSF1A is on the minus strand). VCF-style: chr12-6329906-G-A. GRCh37 (hg19) VCF-style: chr12-6439072-G-A.
Other names: c.605C>T, p.Pro202Leu (NM_001346091.2); c.470C>T, p.Pro157Leu (NM_001346092.2); short protein forms P202L, P157L, P310L.
Identifiers: ClinVar variation 1936959 (VCV001936959.5), dbSNP rs1295725301, ClinGen allele CA383545856.